The following is an entry in ClinVar:

ClinVar aggregate classification (germline): Uncertain significance. Review status: criteria provided, multiple submitters, no conflicts (2 of 4 stars). 4 submissions from 4 submitters: Uncertain significance (4). Last evaluated 2026-09-01.

Allele frequency attached by ClinVar (database versions not stated): ExAC 0.00002; gnomAD exomes 0.00002; ESP Exome Variant Server 0.00008; gnomAD 0.00011 and 0.00014.
gnomAD v4.1: 34 of 1,614,000 alleles (0.0021%); highest among the groups gnomAD compares: African/African-American, 0.035%; no homozygotes.

Submissions (4):

CeGaT Center for Human Genetics Tuebingen
Classification: Uncertain significance. Last evaluated: 2026-09-01. Review status: criteria provided, single submitter. Criteria: CeGaT Center For Human Genetics Tuebingen Variant Classification Criteria Version 2. Collection method: clinical testing. Allele origin: germline. Affected: yes. Observed: 1 variant allele.
Comment: SEMA4A: PM2, BP4

Labcorp Genetics (formerly Invitae), Labcorp
Classification: Uncertain significance. Last evaluated: 2025-12-21. Review status: criteria provided, single submitter. Criteria: Invitae Variant Classification Sherloc (09022015). Collection method: clinical testing. Allele origin: germline.
Comment: This sequence change replaces arginine, which is basic and polar, with leucine, which is neutral and non-polar, at codon 348 of the SEMA4A protein (p.Arg348Leu). This variant is present in population databases (rs373127284, gnomAD 0.03%). This variant has not been reported in the literature in individuals affected with SEMA4A-related conditions. ClinVar contains an entry for this variant (Variation ID: 850964). Invitae Evidence Modeling of protein sequence and biophysical properties (such as structural, functional, and spatial information, amino acid conservation, physicochemical variation, residue mobility, and thermodynamic stability) indicates that this missense variant is not expected to disrupt SEMA4A protein function with a negative predictive value of 80%. In summary, the available evidence is currently insufficient to determine the role of this variant in disease. Therefore, it has been classified as a Variant of Uncertain Significance.

Ambry Genetics
Classification: Uncertain significance. Last evaluated: 2024-10-25. Review status: criteria provided, single submitter. Criteria: Ambry Variant Classification Scheme 2023. Collection method: clinical testing. Allele origin: germline.

Blueprint Genetics
Classification: Uncertain significance. Last evaluated: 2022-04-09. Review status: criteria provided, single submitter. Criteria: ACMG Guidelines, 2015. Collection method: clinical testing. Allele origin: germline.

NM_022367.4(SEMA4A):c.1043G>T (p.Arg348Leu)

Gene: SEMA4A (semaphorin 4A; plus strand). Cytogenetic location: 1q22.
Variant type: single nucleotide variant.
Coding change: c.1043G>T on transcript NM_022367.4 (MANE Select); coding-DNA position 1043, G replaced by T.
Protein change: p.Arg348Leu; replaces arginine 348 with leucine.
Molecular consequence: missense variant.
Genome position (GRCh38, 1-based): chr1:156,163,003, G>T. VCF-style: chr1-156163003-G-T. GRCh37 (hg19) VCF-style: chr1-156132794-G-T.
Other names: c.1043G>T, p.Arg348Leu (NM_001193300.2, NM_001193301.2, NM_001370567.1); c.647G>T, p.Arg216Leu (NM_001193302.2); c.746G>T, p.Arg249Leu (NM_001370568.1); c.536G>T, p.Arg179Leu (NM_001370569.1, NM_001370571.1); short protein forms R249L, R216L, R179L, R348L.
Identifiers: ClinVar variation 850964 (VCV000850964.10), dbSNP rs373127284, ClinGen allele CA1155255.